The following is an entry in ClinVar:

NM_153252.5(BRWD3):c.3941G>A (p.Ser1314Asn)

Gene: BRWD3 (bromodomain and WD repeat domain containing 3; minus strand). Cytogenetic location: Xq21.1.
Variant type: single nucleotide variant.
Coding change: c.3941G>A on transcript NM_153252.5 (MANE Select); coding-DNA position 3941, G replaced by A.
Protein change: p.Ser1314Asn; replaces serine 1314 with asparagine.
Molecular consequence: missense variant.
Genome position (GRCh38, 1-based): chrX:80,686,927, C>T on the plus strand (G>A on the coding strand, the complement: BRWD3 is on the minus strand). VCF-style: chrX-80686927-C-T. GRCh37 (hg19) VCF-style: chrX-79942426-C-T.
Other names: c.3791G>A, p.Ser1264Asn (NM_001441339.1); short protein forms S1264N, S1314N.
Identifiers: ClinVar variation 4529875 (VCV004529875.1).

ClinVar aggregate classification (germline): Uncertain significance (1 of 4 stars; one submission).

Submission:

GeneDx
Classification: Uncertain significance. Last evaluated: 2025-05-15. Review status: criteria provided, single submitter. Criteria: GeneDx Variant Classification Process June 2021. Collection method: clinical testing. Allele origin: germline. Affected: yes.
Comment: Not observed at significant frequency in large population cohorts (gnomAD); In silico analysis suggests that this missense variant does not alter protein structure/function; Has not been previously published as pathogenic or benign to our knowledge